The following is an entry in ClinVar:

NM_001395413.1(POR):c.804C>T (p.Ser268=)

Gene: POR (cytochrome p450 oxidoreductase; plus strand). Cytogenetic location: 7q11.23.
Variant type: single nucleotide variant.
Coding change: c.804C>T on transcript NM_001395413.1 (MANE Select); coding-DNA position 804, C replaced by T.
Protein change: p.Ser268=; no amino-acid change (serine 268 retained).
Molecular consequence: synonymous variant.
Genome position (GRCh38, 1-based): chr7:75,982,305, C>T. VCF-style: chr7-75982305-C-T. GRCh37 (hg19) VCF-style: chr7-75611623-C-T.
Other names: c.813C>T (NM_000941.2); c.804C>T, p.Ser268= (NM_001367562.3, NM_001382657.2, NM_001382658.3 and 2 more transcripts); c.858C>T, p.Ser286= (NM_001382655.3).
Identifiers: ClinVar variation 1591398 (VCV001591398.9), dbSNP rs201598971, ClinGen allele CA4303837.

ClinVar aggregate classification (germline): Conflicting classifications of pathogenicity. Review status: criteria provided, conflicting classifications (1 of 4 stars). 2 submissions from 2 submitters: Uncertain significance (1); Likely benign (1). Last evaluated 2025-11-20.

Conditions:
Congenital adrenal hyperplasia due to cytochrome P450 oxidoreductase deficiency. Also called: DISORDERED STEROIDOGENESIS DUE TO POR DEFICIENCY. Identifiers: Orphanet 95699, MedGen C1860042, MONDO:0013310, OMIM 613571.

Allele frequency attached by ClinVar (database versions not stated): 1000 Genomes Project 30x 0.00016; 1000 Genomes Project 0.00020.
gnomAD v4.1: 50 of 1,611,900 alleles (0.0031%); highest among the groups gnomAD compares: African/African-American, 0.063%; no homozygotes.

Submissions (2):

Labcorp Genetics (formerly Invitae), Labcorp
Classification: Likely benign for Congenital adrenal hyperplasia due to cytochrome P450 oxidoreductase deficiency. Last evaluated: 2025-11-20. Review status: criteria provided, single submitter. Criteria: Invitae Variant Classification Sherloc (09022015). Collection method: clinical testing. Allele origin: germline.

GeneDx
Classification: Uncertain significance. Last evaluated: 2024-10-14. Review status: criteria provided, single submitter. Criteria: GeneDx Variant Classification Process June 2021. Collection method: clinical testing. Allele origin: germline. Affected: yes.
Comment: In silico analysis indicates that this variant does not alter splicing; Has not been previously published as pathogenic or benign to our knowledge